The following is an entry in ClinVar:

NM_012471.3(TRPC5):c.1074G>C (p.Leu358=)

Gene: TRPC5 (transient receptor potential cation channel subfamily C member 5; minus strand). Cytogenetic location: Xq23.
Variant type: single nucleotide variant.
Coding change: c.1074G>C on transcript NM_012471.3 (MANE Select); coding-DNA position 1074, G replaced by C.
Protein change: p.Leu358=; no amino-acid change (leucine 358 retained).
Molecular consequence: synonymous variant.
Genome position (GRCh38, 1-based): chrX:111,853,933, C>G on the plus strand (G>C on the coding strand, the complement: TRPC5 is on the minus strand). VCF-style: chrX-111853933-C-G. GRCh37 (hg19) VCF-style: chrX-111097161-C-G.
Identifiers: ClinVar variation 4989991 (VCV004989991.1).

ClinVar aggregate classification (germline): Likely benign (1 of 4 stars; one submission).

Conditions:
TRPC5-related disorder. Also called: TRPC5-related condition.

gnomAD v4.1: 5 of 1,209,985 alleles (0.00041%); highest among the groups gnomAD compares: East Asian, 0.0089%; no homozygotes.

Submission:

PreventionGenetics, part of Exact Sciences
Classification: Likely benign for TRPC5-related condition. Last evaluated: 2025-03-05. Review status: criteria provided, single submitter. Criteria: ACMG Guidelines, 2015. Collection method: clinical testing. Allele origin: germline.
Comment: This variant is classified as likely benign based on ACMG/AMP sequence variant interpretation guidelines (Richards et al. 2015 PMID: 25741868, with internal and published modifications).